The following is an entry in ClinVar:

ClinVar aggregate classification (germline): Likely benign. Review status: criteria provided, multiple submitters, no conflicts (2 of 4 stars). 3 submissions from 3 submitters: Likely benign (3). Last evaluated 2025-10-13.

Conditions:
ESRRB-related disorder. Also called: ESRRB-related condition.

gnomAD v4.1: 107 of 1,613,842 alleles (0.0066%); highest among the groups gnomAD compares: Non-Finnish European, 0.0086%; no homozygotes.

Submissions (3):

PreventionGenetics, part of Exact Sciences
Classification: Likely benign for ESRRB-related condition. Last evaluated: 2025-10-13. Review status: criteria provided, single submitter. Criteria: ACMG Guidelines, 2015. Collection method: clinical testing. Allele origin: germline.
Comment: This variant is classified as likely benign based on ACMG/AMP sequence variant interpretation guidelines (Richards et al. 2015 PMID: 25741868, with internal and published modifications).

Labcorp Genetics (formerly Invitae), Labcorp
Classification: Likely benign. Last evaluated: 2024-11-30. Review status: criteria provided, single submitter. Criteria: Invitae Variant Classification Sherloc (09022015). Collection method: clinical testing. Allele origin: germline.

Blueprint Genetics
Classification: Likely benign. Last evaluated: 2022-06-10. Review status: criteria provided, single submitter. Criteria: ACMG Guidelines, 2015. Collection method: clinical testing. Allele origin: germline.

NM_001379180.1(ESRRB):c.850+9G>A

Gene: ESRRB (estrogen related receptor beta; plus strand). Cytogenetic location: 14q24.3.
Variant type: single nucleotide variant.
Coding change: c.850+9G>A on transcript NM_001379180.1 (MANE Select); 9 bases into the intron after coding-DNA position 850, G replaced by A.
Molecular consequence: intron variant.
Genome position (GRCh38, 1-based): chr14:76,482,768, G>A. VCF-style: chr14-76482768-G-A. GRCh37 (hg19) VCF-style: chr14-76949111-G-A.
Other names: c.802+9G>A (NM_001411038.1); c.787+9G>A (NM_004452.4, NM_004452.3).
Identifiers: ClinVar variation 3624998 (VCV003624998.4).